The following is an entry in ClinVar:

NM_007294.4(BRCA1):c.5241A>G (p.Gln1747=)

Gene: BRCA1 (BRCA1 DNA repair associated; minus strand). Cytogenetic location: 17q21.31.
Variant type: single nucleotide variant.
Coding change: c.5241A>G on transcript NM_007294.4 (MANE Select); coding-DNA position 5241, A replaced by G.
Protein change: p.Gln1747=; no amino-acid change (glutamine 1747 retained).
Molecular consequence: synonymous variant.
Genome position (GRCh38, 1-based): chr17:43,057,088, T>C on the plus strand (A>G on the coding strand, the complement: BRCA1 is on the minus strand). VCF-style: chr17-43057088-T-C. GRCh37 (hg19) VCF-style: chr17-41209105-T-C.
Other names: c.5028A>G, p.Gln1676= (NM_001407571.1, NM_001407894.1, NM_001407895.1 and 12 more transcripts); c.5307A>G, p.Gln1769= (NM_001407581.1, NM_001407582.1); c.5304A>G, p.Gln1768= (NM_001407583.1, NM_001407585.1, NM_001407587.1 and 1 more transcripts); c.5301A>G, p.Gln1767= (NM_001407590.1, NM_001407591.1); c.5241A>G, p.Gln1747= (NM_001407593.1, NM_001407594.1, NM_001407596.1 and 7 more transcripts); c.5238A>G, p.Gln1746= (NM_001407610.1, NM_001407611.1, NM_001407612.1 and 17 more transcripts); c.5235A>G, p.Gln1745= (NM_001407627.1, NM_001407628.1, NM_001407629.1 and 14 more transcripts); c.5232A>G, p.Gln1744= (NM_001407644.1, NM_001407645.1); and 72 more.
Identifiers: ClinVar variation 867882 (VCV000867882.6), dbSNP rs397509242, ClinGen allele CA500144671.

ClinVar aggregate classification (germline): Likely benign (1 of 4 stars; one submission).

Conditions:
Hereditary breast ovarian cancer syndrome. Also called: Hereditary breast and ovarian cancer; Hereditary breast and ovarian cancer syndrome (HBOC); Breast and ovarian cancer; Hereditary breast and/or ovarian cancer syndrome; BRCA1- and BRCA2-Associated Hereditary Breast and Ovarian Cancer; Hereditary breast and ovarian cancer syndrome. Identifiers: Orphanet 145, MedGen C0677776, MeSH D061325, MONDO:0003582. Disease mechanism: loss of function.

Submissions (2):

Labcorp Genetics (formerly Invitae), Labcorp
Classification: Likely benign for Hereditary breast ovarian cancer syndrome. Last evaluated: 2022-11-17. Review status: criteria provided, single submitter. Criteria: Invitae Variant Classification Sherloc (09022015). Collection method: clinical testing. Allele origin: germline.

Brotman Baty Institute, University of Washington
No classification provided (evidence only). Condition: Breast-ovarian cancer, familial 1. Review status: no classification provided. Collection method: in vitro. Allele origin: not applicable. Functional consequence: functionally_normal. Not counted in ClinVar's aggregate classification.
ClinVar note: "not provided" was previously submitted as the classification for the variant. However, the classification appeared to be based only on an observation of functional data so it was converted to no classification on 2025-07-30.